The following is an entry in ClinVar:

ClinVar aggregate classification (germline): Pathogenic/Likely pathogenic. Review status: criteria provided, multiple submitters, no conflicts (2 of 4 stars). 4 submissions from 4 submitters: Pathogenic (2); Likely pathogenic (1). 1 of the submissions does not count toward it. Last evaluated 2026-01-06.

Conditions:
MPDZ-related disorder. Also called: MPDZ-related condition.

gnomAD v4.1: 29 of 1,612,562 alleles (0.0018%); highest among the groups gnomAD compares: Admixed American, 0.018%; no homozygotes.

Submissions (4):

Labcorp Genetics (formerly Invitae), Labcorp
Classification: Pathogenic. Last evaluated: 2026-01-06. Review status: criteria provided, single submitter. Criteria: Invitae Variant Classification Sherloc (09022015). Collection method: clinical testing. Allele origin: germline.
Comment: This sequence change creates a premature translational stop signal (p.Arg1034*) in the MPDZ gene. It is expected to result in an absent or disrupted protein product. Loss-of-function variants in MPDZ are known to be pathogenic (PMID: 23240096, 28556411). This variant is present in population databases (rs755276577, gnomAD 0.03%). This variant has not been reported in the literature in individuals affected with MPDZ-related conditions. ClinVar contains an entry for this variant (Variation ID: 2181390). For these reasons, this variant has been classified as Pathogenic.

Dasa
Classification: Pathogenic. Last evaluated: 2025-07-29. Review status: criteria provided, single submitter. Criteria: DASA Assertion Criteria. Collection method: clinical testing. Allele origin: germline.
Comment: NM_001378778.1(MPDZ):c.3100C>T (p.Arg1034*) introduces a premature termination codon predicted to result in loss of normal protein function. Loss-of-function is an established mechanism of disease for this gene. This variant has been observed in affected individuals with related phenotype in a genotype context consistent with recessive disease (PMID: 36594712). This variant has been reported in individuals with related phenotype (PMID: 36594712). Segregation evidence has been reported in affected families. The variant is present at low frequency in population datasets. Based on the available data, this variant is classified as pathogenic.

Blueprint Genetics
Classification: Likely pathogenic for MPDZ-related disorders. Last evaluated: 2023-01-19. Review status: criteria provided, single submitter. Criteria: ACMG Guidelines, 2015. Collection method: clinical testing. Allele origin: germline. Affected: yes. Observed: 3 variant alleles.

PreventionGenetics, part of Exact Sciences
Classification: Likely pathogenic for MPDZ-related condition. Last evaluated: 2024-02-12. Review status: no assertion criteria provided. Collection method: clinical testing. Allele origin: germline. Not counted in ClinVar's aggregate classification.
Comment: The MPDZ c.3100C>T variant is predicted to result in premature protein termination (p.Arg1034*). This variant was reported in compound heterozygous state in two siblings with retinal and systemic findings (Lyengar et al. 2023. PubMed ID: 36594712). This variant is reported in 0.029% of alleles in individuals of Latino descent in gnomAD. Nonsense variants in MPDZ are expected to be pathogenic. This variant is interpreted as likely pathogenic.

Literature cited by the submitters: PubMed 23240096 (cited by Labcorp Genetics (formerly Invitae), Labcorp); PubMed 28556411 (cited by Labcorp Genetics (formerly Invitae), Labcorp); PubMed 36594712 (cited by Dasa).

NM_001378778.1(MPDZ):c.3100C>T (p.Arg1034Ter)

Gene: MPDZ (multiple PDZ domain crumbs cell polarity complex component; minus strand). Cytogenetic location: 9p23.
Variant type: single nucleotide variant.
Coding change: c.3100C>T on transcript NM_001378778.1 (MANE Select); coding-DNA position 3100, C replaced by T.
Protein change: p.Arg1034Ter; replaces arginine 1034 with a stop codon.
Molecular consequence: nonsense.
Genome position (GRCh38, 1-based): chr9:13,168,520, G>A on the plus strand (C>T on the coding strand, the complement: MPDZ is on the minus strand). VCF-style: chr9-13168520-G-A. GRCh37 (hg19) VCF-style: chr9-13168519-G-A.
Other names: c.3100C>T, p.Arg1034Ter (NM_001261406.2, NM_001261407.2, NM_001330637.2 and 14 more transcripts); c.3100C>T (NM_003829.4); short protein forms R1034*.
Identifiers: ClinVar variation 2181390 (VCV002181390.8), dbSNP rs755276577, ClinGen allele CA4987256.